The following is an entry in ClinVar:

ClinVar aggregate classification (germline): Likely benign. Review status: criteria provided, multiple submitters, no conflicts (2 of 4 stars). 2 submissions from 2 submitters: Likely benign (2). Last evaluated 2022-09-01.

Allele frequency attached by ClinVar (database versions not stated): ExAC 0.00003; gnomAD exomes 0.00003; 1000 Genomes Project 30x 0.00016; gnomAD 0.00018; TOPMed 0.00022; 1000 Genomes Project 0.00040.
gnomAD v4.1: 67 of 1,613,628 alleles (0.0042%); highest among the groups gnomAD compares: African/African-American, 0.061%; no homozygotes.

Submissions (2):

CeGaT Center for Human Genetics Tuebingen
Classification: Likely benign. Last evaluated: 2022-09-01. Review status: criteria provided, single submitter. Criteria: CeGaT Center For Human Genetics Tuebingen Variant Classification Criteria Version 2. Collection method: clinical testing. Allele origin: germline. Affected: yes. Observed: 1 variant allele.
Comment: AFAP1: BP4, BP7

Breakthrough Genomics
Classification: Likely benign. Review status: criteria provided, single submitter. Criteria: ACMG Guidelines, 2015. Collection method: not provided. Allele origin: germline. Inheritance: Unknown mechanism. Affected: yes.

NM_001134647.2(AFAP1):c.2349C>T (p.Ala783=)

Genes: AFAP1 (actin filament associated protein 1; minus strand), AFAP1-AS1 (AFAP1 antisense RNA 1; plus strand). Cytogenetic location: 4p16.1.
Variant type: single nucleotide variant.
Coding change: c.2349C>T on transcript NM_001134647.2 (MANE Select); coding-DNA position 2349, C replaced by T.
Protein change: p.Ala783=; no amino-acid change (alanine 783 retained).
Molecular consequence: synonymous variant.
Genome position (GRCh38, 1-based): chr4:7,768,913, G>A on the plus strand (C>T on the coding strand, the complement: AFAP1 is on the minus strand). VCF-style: chr4-7768913-G-A. GRCh37 (hg19) VCF-style: chr4-7770640-G-A.
Other names: c.2097C>T, p.Ala699= (NM_001371090.1, NM_001371091.1, NM_198595.3).
Identifiers: ClinVar variation 2654640 (VCV002654640.25), dbSNP rs116834443, ClinGen allele CA2846417.